The following is an entry in ClinVar:

NM_000302.4(PLOD1):c.1755+2T>C

Gene: PLOD1 (procollagen-lysine,2-oxoglutarate 5-dioxygenase 1; plus strand). Cytogenetic location: 1p36.22.
Variant type: single nucleotide variant.
Coding change: c.1755+2T>C on transcript NM_000302.4 (MANE Select); the canonical splice donor site of the intron after coding-DNA position 1755, T replaced by C.
Molecular consequence: splice donor variant.
Genome position (GRCh38, 1-based): chr1:11,967,093, T>C. VCF-style: chr1-11967093-T-C. GRCh37 (hg19) VCF-style: chr1-12027150-T-C.
Other names: c.1896+2T>C (NM_001316320.2).
Identifiers: ClinVar variation 4846891 (VCV004846891.1).

ClinVar aggregate classification (germline): Uncertain significance (1 of 4 stars; one submission).

Conditions:
Ehlers-Danlos syndrome, kyphoscoliotic type 1 (EDSKSCL1). Also called: EHLERS-DANLOS SYNDROME, OCULAR-SCOLIOTIC TYPE; EHLERS-DANLOS SYNDROME, TYPE VIA; PLOD1-Related Kyphoscoliotic Ehlers-Danlos Syndrome; Ehlers-Danlos syndrome, hydroxylysine-deficient. Identifiers: Orphanet 1900, MedGen C0268342, MONDO:0016002, OMIM 225400. Disease mechanism: loss of function.

Submission:

Laboratorio de Genetica e Diagnostico Molecular, Hospital Israelita Albert Einstein
Classification: Uncertain significance for Ehlers-Danlos syndrome, kyphoscoliotic type 1. Last evaluated: 2025-06-11. Review status: criteria provided, single submitter. Criteria: ACMG Guidelines, 2015. Collection method: clinical testing. Allele origin: germline. Affected: yes.
Comment: ACMG classification criteria: PVS1 moderate, PM2 supporting